The following is an entry in ClinVar:

NM_001384474.1(LOXHD1):c.4972C>A (p.Arg1658Ser)

Gene: LOXHD1 (lipoxygenase homology PLAT domains 1; minus strand). Cytogenetic location: 18q21.1.
Variant type: single nucleotide variant.
Coding change: c.4972C>A on transcript NM_001384474.1 (MANE Select); coding-DNA position 4972, C replaced by A.
Protein change: p.Arg1658Ser; replaces arginine 1658 with serine.
Molecular consequence: missense variant.
Genome position (GRCh38, 1-based): chr18:46,522,214, G>T on the plus strand (C>A on the coding strand, the complement: LOXHD1 is on the minus strand). VCF-style: chr18-46522214-G-T. GRCh37 (hg19) VCF-style: chr18-44102177-G-T.
Other names: c.1639C>A, p.Arg547Ser (NM_001145472.3); c.1351C>A, p.Arg451Ser (NM_001308013.2); c.4972C>A, p.Arg1658Ser (NM_144612.7); short protein forms R1658S, R451S, R547S.
Identifiers: ClinVar variation 5003368 (VCV005003368.1).

ClinVar aggregate classification (germline): Uncertain significance (1 of 4 stars; one submission).

Conditions:
Autosomal recessive nonsyndromic hearing loss 77. Identifiers: Orphanet 90636, MedGen C2746083, MONDO:0013119, OMIM 613079.

gnomAD v4.1: 2 of 1,551,648 alleles (0.00013%); highest among the groups gnomAD compares: Admixed American, 0.002%; no homozygotes.

Submission:

Myriad Genetics, Inc.
Classification: Uncertain significance for Autosomal recessive nonsyndromic hearing loss 77. Last evaluated: 2026-05-29. Review status: criteria provided, single submitter. Criteria: Myriad Autosomal Dominant, Autosomal Recessive and X-Linked Classification Criteria (2023). Collection method: clinical testing. Allele origin: unknown.
Comment: NM_144612.6(LOXHD1):c.4972C>A(R1658S) is a missense variant classified as a variant of uncertain significance in the context of nonsyndromic hearing loss, LOXHD1-related. R1658S has been observed in a case with relevant disease (PMID: 37811145). Relevant functional assessments of this variant are not available in the literature. R1658S has not been observed in referenced population frequency databases. In summary, there is insufficient evidence to classify NM_144612.6(LOXHD1):c.4972C>A(R1658S) as pathogenic or benign. Please note: this variant was assessed in the context of healthy population screening.

Literature cited by the submitters: PubMed 37811145.